The following is an entry in ClinVar:

NM_172107.4(KCNQ2):c.1405G>A (p.Ala469Thr)

Gene: KCNQ2 (potassium voltage-gated channel subfamily Q member 2; minus strand). Cytogenetic location: 20q13.33.
Variant type: single nucleotide variant.
Coding change: c.1405G>A on transcript NM_172107.4 (MANE Select); coding-DNA position 1405, G replaced by A.
Protein change: p.Ala469Thr; replaces alanine 469 with threonine.
Molecular consequence: missense variant.
Genome position (GRCh38, 1-based): chr20:63,415,023, C>T on the plus strand (G>A on the coding strand, the complement: KCNQ2 is on the minus strand). VCF-style: chr20-63415023-C-T. GRCh37 (hg19) VCF-style: chr20-62046376-C-T.
Other names: p.A469T:GCC>ACC; c.1351G>A, p.Ala451Thr (NM_001382235.1, NM_001439003.1, NM_172106.3); c.1321G>A, p.Ala441Thr (NM_001439004.1, NM_004518.6); c.1315G>A, p.Ala439Thr (NM_172108.5); short protein forms A469T, A441T, A439T, A451T.
Identifiers: ClinVar variation 205905 (VCV000205905.47), dbSNP rs781778855, ClinGen allele CA315445.

ClinVar aggregate classification (germline): Conflicting classifications of pathogenicity. Review status: criteria provided, conflicting classifications (1 of 4 stars). 3 submissions from 3 submitters: Uncertain significance (2); Likely benign (1). Last evaluated 2024-09-03.

Conditions:
Early-infantile DEE. Also called: Early infantile epileptic encephalopathy; Ohtahara syndrome; Early infantile epileptic encephalopathy with suppression bursts. Identifiers: Orphanet 1934, MedGen C0393706, MONDO:0800491.

Allele frequency attached by ClinVar (database versions not stated): gnomAD exomes 0.00001 and 0.00002; gnomAD 0.00003; ExAC 0.00002.
gnomAD v4.1: 20 of 1,609,898 alleles (0.0012%); highest among the groups gnomAD compares: East Asian, 0.0022%; no homozygotes.

Submissions (3):

Labcorp Genetics (formerly Invitae), Labcorp
Classification: Uncertain significance for Early-infantile DEE. Last evaluated: 2024-09-03. Review status: criteria provided, single submitter. Criteria: Invitae Variant Classification Sherloc (09022015). Collection method: clinical testing. Allele origin: germline.
Comment: This sequence change replaces alanine, which is neutral and non-polar, with threonine, which is neutral and polar, at codon 469 of the KCNQ2 protein (p.Ala469Thr). This variant is present in population databases (rs781778855, gnomAD 0.006%). This missense change has been observed in individual(s) with clinical features of KCNQ2-related conditions (PMID: 31957018). ClinVar contains an entry for this variant (Variation ID: 205905). An algorithm developed to predict the effect of missense changes on protein structure and function (PolyPhen-2) suggests that this variant is likely to be disruptive. In summary, the available evidence is currently insufficient to determine the role of this variant in disease. Therefore, it has been classified as a Variant of Uncertain Significance.

CeGaT Center for Human Genetics Tuebingen
Classification: Uncertain significance. Last evaluated: 2020-03-01. Review status: criteria provided, single submitter. Criteria: CeGaT Center For Human Genetics Tuebingen Variant Classification Criteria Version 2. Collection method: clinical testing. Allele origin: germline. Affected: yes. Observed: 1 variant allele.

GeneDx
Classification: Likely benign. Last evaluated: 2019-02-04. Review status: criteria provided, single submitter. Criteria: GeneDx Variant Classification Process June 2021. Collection method: clinical testing. Allele origin: germline. Affected: yes.

Literature cited by the submitters: PubMed 31957018 (cited by Labcorp Genetics (formerly Invitae), Labcorp).